The following is an entry in ClinVar:

ClinVar aggregate classification (germline): Likely benign. Review status: criteria provided, multiple submitters, no conflicts (2 of 4 stars). 3 submissions from 3 submitters: Likely benign (3). Last evaluated 2026-04-01.

Conditions:
Hereditary spastic paraplegia 48. Also called: SPASTIC PARAPLEGIA 48, AUTOSOMAL RECESSIVE; Spastic paraplegia 48. Identifiers: Orphanet 306511, MedGen C3150901, MONDO:0013342, OMIM 613647.

Allele frequency attached by ClinVar (database versions not stated): gnomAD 0.00004; TOPMed 0.00007; ExAC 0.00019.
gnomAD v4.1: 82 of 1,579,130 alleles (0.0052%); highest among the groups gnomAD compares: Middle Eastern, 0.02%; no homozygotes.

Submissions (3):

CeGaT Center for Human Genetics Tuebingen
Classification: Likely benign. Last evaluated: 2026-04-01. Review status: criteria provided, single submitter. Criteria: CeGaT Center For Human Genetics Tuebingen Variant Classification Criteria Version 2. Collection method: clinical testing. Allele origin: germline. Affected: yes. Observed: 1 variant allele.
Comment: AP5Z1: BP4, BP7

Labcorp Genetics (formerly Invitae), Labcorp
Classification: Likely benign for Hereditary spastic paraplegia 48. Last evaluated: 2025-12-31. Review status: criteria provided, single submitter. Criteria: Invitae Variant Classification Sherloc (09022015). Collection method: clinical testing. Allele origin: germline.

Blueprint Genetics
Classification: Likely benign. Last evaluated: 2024-10-02. Review status: criteria provided, single submitter. Criteria: ACMG Guidelines, 2015. Collection method: clinical testing. Allele origin: germline.

NM_014855.3(AP5Z1):c.1536G>A (p.Pro512=)

Gene: AP5Z1 (adaptor related protein complex 5 subunit zeta 1; plus strand). Cytogenetic location: 7p22.1.
Variant type: single nucleotide variant.
Coding change: c.1536G>A on transcript NM_014855.3 (MANE Select); coding-DNA position 1536, G replaced by A.
Protein change: p.Pro512=; no amino-acid change (proline 512 retained).
Molecular consequence: synonymous variant. On other transcripts: non-coding transcript variant (1).
Genome position (GRCh38, 1-based): chr7:4,788,235, G>A. VCF-style: chr7-4788235-G-A. GRCh37 (hg19) VCF-style: chr7-4827866-G-A.
Other names: c.1536G>A, p.Pro512= (LRG_1247t1); c.1068G>A, p.Pro356= (NM_001364858.1).
Identifiers: ClinVar variation 487225 (VCV000487225.11), dbSNP rs757364334, ClinGen allele CA4137857.